The following is an entry in ClinVar:

NM_032444.4(SLX4):c.3424T>C (p.Ser1142Pro)

Gene: SLX4 (SLX4 structure-specific endonuclease subunit; minus strand). Cytogenetic location: 16p13.3.
Variant type: single nucleotide variant.
Coding change: c.3424T>C on transcript NM_032444.4 (MANE Select); coding-DNA position 3424, T replaced by C.
Protein change: p.Ser1142Pro; replaces serine 1142 with proline.
Molecular consequence: missense variant.
Genome position (GRCh38, 1-based): chr16:3,590,214, A>G on the plus strand (T>C on the coding strand, the complement: SLX4 is on the minus strand). VCF-style: chr16-3590214-A-G. GRCh37 (hg19) VCF-style: chr16-3640215-A-G.
Other names: short protein forms S1142P.
Identifiers: ClinVar variation 937322 (VCV000937322.10), dbSNP rs1400414235, ClinGen allele CA394520164.

ClinVar aggregate classification (germline): Uncertain significance. Review status: criteria provided, multiple submitters, no conflicts (2 of 4 stars). 2 submissions from 2 submitters: Uncertain significance (2). Last evaluated 2025-07-31.

Conditions:
Fanconi anemia complementation group P. Also called: SLX4-Related Fanconi Anemia. Identifiers: Orphanet 84, MedGen C3469542, MONDO:0013499, OMIM 613951.
Fanconi anemia (FA). Also called: Fanconi's anemia. Identifiers: Orphanet 84, MedGen C0015625, MeSH D005199, MONDO:0019391.

Allele frequency attached by ClinVar (database versions not stated): gnomAD exomes below 0.00001; gnomAD 0.00001.
gnomAD v4.1: 4 of 1,614,064 alleles (0.00025%); highest among the groups gnomAD compares: East Asian, 0.0067%; no homozygotes.

Submissions (2):

Labcorp Genetics (formerly Invitae), Labcorp
Classification: Uncertain significance for Fanconi anemia. Last evaluated: 2025-07-31. Review status: criteria provided, single submitter. Criteria: Invitae Variant Classification Sherloc (09022015). Collection method: clinical testing. Allele origin: germline.
Comment: This sequence change replaces serine, which is neutral and polar, with proline, which is neutral and non-polar, at codon 1142 of the SLX4 protein (p.Ser1142Pro). This variant is present in population databases (no rsID available, gnomAD 0.01%). This missense change has been observed in individual(s) with aplastic anemia (PMID: 24763404). ClinVar contains an entry for this variant (Variation ID: 937322). An algorithm developed to predict the effect of missense changes on protein structure and function outputs the following: PolyPhen-2: "Benign". The proline amino acid residue is found in multiple mammalian species, which suggests that this missense change does not adversely affect protein function. In summary, the available evidence is currently insufficient to determine the role of this variant in disease. Therefore, it has been classified as a Variant of Uncertain Significance.

Fulgent Genetics
Classification: Uncertain significance for Fanconi anemia complementation group P. Last evaluated: 2024-05-06. Review status: criteria provided, single submitter. Criteria: ACMG Guidelines, 2015. Collection method: clinical testing. Allele origin: germline.

Literature cited by the submitters: PubMed 24763404 (cited by Labcorp Genetics (formerly Invitae), Labcorp).